The following is an entry in ClinVar:

NM_024675.4(PALB2):c.2162C>G (p.Thr721Arg)

Gene: PALB2 (partner and localizer of BRCA2; minus strand). Cytogenetic location: 16p12.2.
Variant type: single nucleotide variant.
Coding change: c.2162C>G on transcript NM_024675.4 (MANE Select); coding-DNA position 2162, C replaced by G.
Protein change: p.Thr721Arg; replaces threonine 721 with arginine.
Molecular consequence: missense variant. On other transcripts: intron variant (1).
Genome position (GRCh38, 1-based): chr16:23,629,992, G>C on the plus strand (C>G on the coding strand, the complement: PALB2 is on the minus strand). VCF-style: chr16-23629992-G-C. GRCh37 (hg19) VCF-style: chr16-23641313-G-C.
Other names: c.2102C>G, p.Thr701Arg (NM_001407296.1); c.2162C>G, p.Thr721Arg (NM_001407297.1, NM_001407298.1, NM_001407299.1 and 3 more transcripts); c.1277C>G, p.Thr426Arg (NM_001407304.1, NM_001407305.1, NM_001407306.1 and 5 more transcripts); c.374C>G, p.Thr125Arg (NM_001407312.1, NM_001407313.1); c.49-717C>G (NM_001407314.1); short protein forms T701R, T721R, T125R, T426R.
Identifiers: ClinVar variation 2567585 (VCV002567585.2), dbSNP rs2142379467, ClinGen allele CA395125670.

ClinVar aggregate classification (germline): Uncertain significance (1 of 4 stars; one submission).

Conditions:
Hereditary cancer-predisposing syndrome. Also called: Hereditary neoplastic syndrome; Hereditary Cancer Syndrome; Neoplastic Syndromes, Hereditary; Tumor predisposition. Identifiers: Orphanet 140162, MedGen C0027672, MeSH D009386, MONDO:0015356.

Submission:

Ambry Genetics
Classification: Uncertain significance for Hereditary cancer-predisposing syndrome. Last evaluated: 2023-05-05. Review status: criteria provided, single submitter. Criteria: Ambry Variant Classification Scheme 2023. Collection method: clinical testing. Allele origin: germline.
Comment: The p.T721R variant (also known as c.2162C>G), located in coding exon 5 of the PALB2 gene, results from a C to G substitution at nucleotide position 2162. The threonine at codon 721 is replaced by arginine, an amino acid with similar properties. This amino acid position is conserved. In addition, this alteration is predicted to be tolerated by in silico analysis. Since supporting evidence is limited at this time, the clinical significance of this alteration remains unclear.